The following is an entry in ClinVar:

NM_002890.3(RASA1):c.217G>T (p.Gly73Ter)

Gene: RASA1 (RAS p21 protein activator 1; plus strand). Cytogenetic location: 5q14.3.
Variant type: single nucleotide variant.
Coding change: c.217G>T on transcript NM_002890.3 (MANE Select); coding-DNA position 217, G replaced by T.
Protein change: p.Gly73Ter; replaces glycine 73 with a stop codon.
Molecular consequence: nonsense.
Genome position (GRCh38, 1-based): chr5:87,268,668, G>T. VCF-style: chr5-87268668-G-T. GRCh37 (hg19) VCF-style: chr5-86564485-G-T.
Other names: short protein forms G73*.
Identifiers: ClinVar variation 3660323 (VCV003660323.2).

ClinVar aggregate classification (germline): Pathogenic (1 of 4 stars; one submission).

Conditions:
Capillary malformation-arteriovenous malformation syndrome. Also called: Capillary malformation-arteriovenous malformation. Identifiers: Orphanet 137667, MedGen C1842180, MONDO:0012016.

Submission:

Labcorp Genetics (formerly Invitae), Labcorp
Classification: Pathogenic for Capillary malformation-arteriovenous malformation syndrome. Last evaluated: 2024-07-23. Review status: criteria provided, single submitter. Criteria: Invitae Variant Classification Sherloc (09022015). Collection method: clinical testing. Allele origin: germline.
Comment: This sequence change creates a premature translational stop signal (p.Gly73*) in the RASA1 gene. It is expected to result in an absent or disrupted protein product. Loss-of-function variants in RASA1 are known to be pathogenic (PMID: 24038909). This variant is not present in population databases (gnomAD no frequency). This variant has not been reported in the literature in individuals affected with RASA1-related conditions. For these reasons, this variant has been classified as Pathogenic.

Literature cited by the submitters: PubMed 24038909.